The following is an entry in ClinVar:

ClinVar aggregate classification (germline): Uncertain significance (1 of 4 stars; one submission).

Submission:

Labcorp Genetics (formerly Invitae), Labcorp
Classification: Uncertain significance. Last evaluated: 2021-05-04. Review status: criteria provided, single submitter. Criteria: Invitae Variant Classification Sherloc (09022015). Collection method: clinical testing. Allele origin: germline.
Comment: In summary, the available evidence is currently insufficient to determine the role of this variant in disease. Therefore, it has been classified as a Variant of Uncertain Significance. Algorithms developed to predict the effect of missense changes on protein structure and function are either unavailable or do not agree on the potential impact of this missense change (SIFT: "Deleterious"; PolyPhen-2: "Possibly Damaging"; Align-GVGD: "Class C0"). This variant has not been reported in the literature in individuals with MTHFD1-related conditions. This variant is not present in population databases (ExAC no frequency). This sequence change replaces valine with methionine at codon 696 of the MTHFD1 protein (p.Val696Met). The valine residue is highly conserved and there is a small physicochemical difference between valine and methionine.

NM_005956.4(MTHFD1):c.2086G>A (p.Val696Met)

Gene: MTHFD1 (methylenetetrahydrofolate dehydrogenase, cyclohydrolase and formyltetrahydrofolate synthetase 1; plus strand). Cytogenetic location: 14q23.3.
Variant type: single nucleotide variant.
Coding change: c.2086G>A on transcript NM_005956.4 (MANE Select); coding-DNA position 2086, G replaced by A.
Protein change: p.Val696Met; replaces valine 696 with methionine.
Molecular consequence: missense variant.
Genome position (GRCh38, 1-based): chr14:64,442,352, G>A. VCF-style: chr14-64442352-G-A. GRCh37 (hg19) VCF-style: chr14-64909070-G-A.
Other names: c.2086G>A, p.Val696Met (NM_001364837.1); short protein forms V696M.
Identifiers: ClinVar variation 1351152 (VCV001351152.8), dbSNP rs2140976010, ClinGen allele CA389999722.